The following is an entry in ClinVar:

NM_000548.5(TSC2):c.4494-10C>A

Gene: TSC2 (TSC complex subunit 2; plus strand). Cytogenetic location: 16p13.3.
Variant type: single nucleotide variant.
Coding change: c.4494-10C>A on transcript NM_000548.5 (MANE Select); 10 bases into the intron before coding-DNA position 4494, C replaced by A.
Molecular consequence: intron variant.
Genome position (GRCh38, 1-based): chr16:2,084,941, C>A. VCF-style: chr16-2084941-C-A. GRCh37 (hg19) VCF-style: chr16-2134942-C-A.
Other names: c.4362-10C>A (NM_001370404.1); c.4425-10C>A (NM_001114382.3); c.4365-10C>A (NM_021055.3, NM_001370405.1); c.4296-10C>A (NM_001363528.2); c.4293-10C>A (NM_001077183.3); c.4185-10C>A (NM_001318827.2); c.3762-10C>A (NM_001318831.2); c.4149-10C>A (NM_001318829.2); and 1 more.
Identifiers: ClinVar variation 570166 (VCV000570166.12), dbSNP rs753499012, ClinGen allele CA051371.

ClinVar aggregate classification (germline): Conflicting classifications of pathogenicity. Review status: criteria provided, conflicting classifications (1 of 4 stars). 3 submissions from 3 submitters: Uncertain significance (2); Likely benign (1). Last evaluated 2025-12-16.

Conditions:
Hereditary cancer-predisposing syndrome. Also called: Hereditary neoplastic syndrome; Neoplastic Syndromes, Hereditary; Hereditary Cancer Syndrome; Tumor predisposition. Identifiers: Orphanet 140162, MedGen C0027672, MeSH D009386, MONDO:0015356.
Tuberous sclerosis 2 (TSC2). Identifiers: Orphanet 805, MedGen C1860707, MONDO:0013199, OMIM 613254.
Tuberous sclerosis syndrome (TSC). Also called: Tuberous sclerosis; Tuberous Sclerosis Complex. Identifiers: Orphanet 805, MedGen C0041341, MONDO:0001734.

Allele frequency attached by ClinVar (database versions not stated): ExAC 0.00002; gnomAD exomes 0.00001.
gnomAD v4.1: 2 of 1,613,272 alleles (0.00012%); highest among the groups gnomAD compares: Admixed American, 0.0033%; no homozygotes.

Submissions (3):

Labcorp Genetics (formerly Invitae), Labcorp
Classification: Likely benign for Tuberous sclerosis 2. Last evaluated: 2025-12-16. Review status: criteria provided, single submitter. Criteria: Invitae Variant Classification Sherloc (09022015). Collection method: clinical testing. Allele origin: germline.

Color Diagnostics, LLC DBA Color Health
Classification: Uncertain significance for Tuberous sclerosis syndrome. Last evaluated: 2023-11-28. Review status: criteria provided, single submitter. Criteria: ACMG Guidelines, 2015. Collection method: clinical testing. Allele origin: germline.
Comment: This variant causes a C to A nucleotide substitution at the -10 position of intron 34 of the TSC2 gene. To our knowledge, RNA studies have not been reported for this variant. This variant has not been reported in individuals affected with TSC2-related disorders in the literature. This variant has been identified in 2/250232 chromosomes in the general population by the Genome Aggregation Database (gnomAD). The available evidence is insufficient to determine the role of this variant in disease conclusively. Therefore, this variant is classified as a Variant of Uncertain Significance.

Sema4
Classification: Uncertain significance for Hereditary cancer-predisposing syndrome. Last evaluated: 2022-02-23. Review status: criteria provided, single submitter. Criteria: Sema4 Curation Guidelines. Collection method: curation. Allele origin: germline.
Comment: The TSC2 c.4494-10C>A variant has not been reported in the literature to our knowledge. It was observed in 2/34572 chromosomes of the Latino subpopulation in the large and broad cohorts of the Genome Aggregation Database (PMID: 32461654). The variant has been reported in ClinVar (Variation ID 570166). In silico predictions of the variant's effect on RNA splicing are inconclusive, though these predictions have not been confirmed by transcriptional studies. The evidence is insufficient to meet ACMG/AMP criteria for classifying the variant as benign or pathogenic. Thus, the clinical significance of this variant is currently uncertain.